The following is an entry in ClinVar:

NM_020922.5(WNK3):c.3473_3481del (p.Thr1158_Val1160del)

Gene: WNK3 (WNK lysine deficient protein kinase 3; minus strand). Cytogenetic location: Xp11.22.
Variant type: Deletion.
Coding change: c.3473_3481del on transcript NM_020922.5 (MANE Select); coding-DNA positions 3473 to 3481, 9 bases deleted (CAGAAGTCA; older notation c.3473_3481delCAGAAGTCA).
Protein change: p.Thr1158_Val1160del.
Molecular consequence: inframe indel (on NM_020922.4).
Genome position (GRCh38, 1-based): chrX:54,248,867-54,248,875, TGACTTCTG deleted on the plus strand (CAGAAGTCA on the coding strand, the reverse complement: WNK3 is on the minus strand); deleting any 9 consecutive bases within chrX:54,248,867-54,248,876 gives the same sequence; the c. name uses the placement nearest the transcript's 3' end. VCF-style (leftmost placement, unchanged base first): chrX-54248866-ATGACTTCTG-A. GRCh37 (hg19) VCF-style: chrX-54275299-ATGACTTCTG-A.
Other names: c.3473_3481del, p.Thr1158_Val1160del (NM_001002838.4, NM_001395166.1); c.3472_3480delACAGAAGTC, p.Thr1158_Val1160del (NM_020922.4).
Identifiers: ClinVar variation 3773913 (VCV003773913.1).
Genomic context (GRCh38, chrX:54,248,866, plus strand): 5'-GTCTGTTGGAAATTAGGGGATTGTACAGGGCTATCTTTAATTCCACAGTGACTGATGGCT[ATGACTTCTG>A]TCACTGGACAGGAGAGGGTATCTTCAGCAGAGGAAGAAAATGGAGAGTCTATGCTTTGGG-3'

ClinVar aggregate classification (germline): Uncertain significance (1 of 4 stars; one submission).

Submission:

GeneDx
Classification: Uncertain significance. Last evaluated: 2024-09-24. Review status: criteria provided, single submitter. Criteria: GeneDx Variant Classification Process June 2021. Collection method: clinical testing. Allele origin: germline. Affected: yes.
Comment: In-frame deletion of 3 amino acids in a non-repeat region; In silico analysis indicates that this variant does not alter protein structure/function; Not observed at significant frequency in large population cohorts (gnomAD); Has not been previously published as pathogenic or benign to our knowledge